The following is an entry in ClinVar:

NM_006080.3(SEMA3A):c.83A>G (p.Asn28Ser)

Gene: SEMA3A (semaphorin 3A; minus strand). Cytogenetic location: 7q21.11.
Variant type: single nucleotide variant.
Coding change: c.83A>G on transcript NM_006080.3 (MANE Select); coding-DNA position 83, A replaced by G.
Protein change: p.Asn28Ser; replaces asparagine 28 with serine.
Molecular consequence: missense variant.
Genome position (GRCh38, 1-based): chr7:84,194,504, T>C on the plus strand (A>G on the coding strand, the complement: SEMA3A is on the minus strand). VCF-style: chr7-84194504-T-C. GRCh37 (hg19) VCF-style: chr7-83823820-T-C.
Other names: short protein forms N28S.
Identifiers: ClinVar variation 3357364 (VCV003357364.1).
Genomic context (GRCh38, chr7:84,194,504, plus strand): 5'-GCTAACCAAATAAAAGAAAAATAAGATTTACCTTTGTAGGATAATTTCAGCCTTGGCACA[T>C]TGTTCTTCCCATTCTGATAGTTTGCTCTTGCTGTAAGTAATACTCCCCAGAAAAGACAGA-3'
Protein context (NP_006071.1, residues 18-38): ARANYQNGKN[Asn28Ser]VPRLKLSYKE

ClinVar aggregate classification (germline): Uncertain significance (0 of 4 stars; one submission).

Conditions:
SEMA3A-related disorder. Also called: SEMA3A-related condition.

gnomAD v4.1: 12 of 1,611,920 alleles (0.00074%); highest among the groups gnomAD compares: Non-Finnish European, 0.00059%; no homozygotes.

Submission:

PreventionGenetics, part of Exact Sciences
Classification: Uncertain significance for SEMA3A-related condition. Last evaluated: 2023-12-31. Review status: no assertion criteria provided. Collection method: clinical testing. Allele origin: germline.
Comment: The SEMA3A c.83A>G variant is predicted to result in the amino acid substitution p.Asn28Ser. To our knowledge, this variant has not been reported in the literature. This variant is reported in 0.0018% of alleles in individuals of European (Non-Finnish) descent in gnomAD. At this time, the clinical significance of this variant is uncertain due to the absence of conclusive functional and genetic evidence.